The following is an entry in ClinVar:

ClinVar aggregate classification (germline): Conflicting classifications of pathogenicity. Review status: criteria provided, conflicting classifications (1 of 4 stars). 3 submissions from 3 submitters: Likely pathogenic (1); Uncertain significance (2). Last evaluated 2025-12-17.

Conditions:
Gnathodiaphyseal dysplasia (GDD). Also called: GNATHODIAPHYSEAL SCLEROSIS; OSTEOGENESIS IMPERFECTA WITH UNUSUAL SKELETAL LESIONS. Identifiers: Orphanet 53697, MedGen C1833736, MONDO:0008151, OMIM 166260.
Autosomal recessive limb-girdle muscular dystrophy type 2L (LGMDR12). Also called: MUSCULAR DYSTROPHY, LIMB-GIRDLE, AUTOSOMAL RECESSIVE 12; Limb-Girdle Muscular Dystrophy R12 Anoctamin-5-Related (LGMD-R12); Limb-girdle muscular dystrophy, type 2L. Identifiers: Orphanet 206549, MedGen C1969785, MONDO:0012652, OMIM 611307.
ANO5-related disorder. Also called: ANO5-related disorders; ANO5-related condition. Identifiers: MedGen CN239193.

Allele frequency attached by ClinVar (database versions not stated): gnomAD exomes below 0.00001 and 0.00002; ExAC 0.00001; gnomAD 0.00001.
gnomAD v4.1: 25 of 1,607,924 alleles (0.0016%); highest among the groups gnomAD compares: Non-Finnish European, 0.0021%; no homozygotes.

Submissions (3):

Labcorp Genetics (formerly Invitae), Labcorp
Classification: Likely pathogenic for Autosomal recessive limb-girdle muscular dystrophy type 2L; Gnathodiaphyseal dysplasia. Last evaluated: 2025-12-17. Review status: criteria provided, single submitter. Criteria: Invitae Variant Classification Sherloc (09022015). Collection method: clinical testing. Allele origin: germline.
Comment: This sequence change replaces tyrosine, which is neutral and polar, with cysteine, which is neutral and slightly polar, at codon 219 of the ANO5 protein (p.Tyr219Cys). This variant is not present in population databases (gnomAD no frequency). This missense change has been observed in individual(s) with clinical features of autosomal recessive myopathies (PMID: 29792937, 34440373; internal data). This variant has been reported in individual(s) with clinical features of autosomal dominant gnathodiaphyseal dysplasia (internal data); however, the role of the variant in this condition is currently unclear. ClinVar contains an entry for this variant (Variation ID: 289048). Invitae Evidence Modeling of protein sequence and biophysical properties (such as structural, functional, and spatial information, amino acid conservation, physicochemical variation, residue mobility, and thermodynamic stability) indicates that this missense variant is expected to disrupt ANO5 protein function with a positive predictive value of 95%. In summary, the currently available evidence indicates that the variant is pathogenic, but additional data are needed to prove that conclusively. Therefore, this variant has been classified as Likely Pathogenic.

3billion
Classification: Uncertain significance for ANO5-related disorder. Last evaluated: 2024-06-14. Review status: criteria provided, single submitter. Criteria: ACMG Guidelines, 2015. Collection method: clinical testing. Allele origin: germline. Affected: yes.
Comment: The variant is observed at an extremely low frequency in the gnomAD v4.0.0 dataset (total allele frequency: 0.002%). Predicted Consequence/Location: The majority of the known disease-causing variants of this gene are variants expected to result in premature termination of the protein. In silico tool predictions suggest damaging effect of the variant on gene or gene product [REVEL: 0.63 (>=0.6, sensitivity 0.68 and specificity 0.92); 3Cnet: 0.78 (>=0.6, sensitivity 0.72 and precision 0.9)]. The same nucleotide change resulting in the same amino acid change has been previously reported to be associated with ANO5 related disorder (PMID: 29792937). However, the evidence of pathogenicity is insufficient at this time. Therefore, this variant is classified as VUS according to the recommendation of ACMG/AMP guideline.

Eurofins Ntd Llc (ga)
Classification: Uncertain significance. Last evaluated: 2018-09-17. Review status: criteria provided, single submitter. Criteria: EGL ClinVar v180209 classification definitions. Collection method: clinical testing. Allele origin: germline. Observed: 2 variant alleles, 2 heterozygotes.

Literature cited by the submitters: PubMed 29792937 (cited by Labcorp Genetics (formerly Invitae), Labcorp and 3billion); PubMed 34440373 (cited by Labcorp Genetics (formerly Invitae), Labcorp).

NM_213599.3(ANO5):c.656A>G (p.Tyr219Cys)

Gene: ANO5 (anoctamin 5; plus strand). Cytogenetic location: 11p14.3.
Variant type: single nucleotide variant.
Coding change: c.656A>G on transcript NM_213599.3 (MANE Select); coding-DNA position 656, A replaced by G.
Protein change: p.Tyr219Cys; replaces tyrosine 219 with cysteine.
Molecular consequence: missense variant.
Genome position (GRCh38, 1-based): chr11:22,236,170, A>G. VCF-style: chr11-22236170-A-G. GRCh37 (hg19) VCF-style: chr11-22257716-A-G.
Other names: c.653A>G, p.Tyr218Cys (NM_001142649.2); short protein forms Y219C, Y218C.
Identifiers: ClinVar variation 289048 (VCV000289048.11), dbSNP rs753667370, ClinGen allele CA5922986.